The following is an entry in ClinVar:

ClinVar aggregate classification (germline): Conflicting classifications of pathogenicity. Review status: criteria provided, conflicting classifications (1 of 4 stars). 2 submissions from 2 submitters: Uncertain significance (1); Likely benign (1). Last evaluated 2026-07-01.

Conditions:
Cardiovascular phenotype. Identifiers: MedGen CN230736.

Allele frequency attached by ClinVar (database versions not stated): gnomAD exomes 0.00002; gnomAD 0.00005; 1000 Genomes Project 30x 0.00031; 1000 Genomes Project 0.00040.
gnomAD v4.1: 41 of 1,550,324 alleles (0.0026%); highest among the groups gnomAD compares: East Asian, 0.09%; no homozygotes.

Submissions (2):

CeGaT Center for Human Genetics Tuebingen
Classification: Uncertain significance. Last evaluated: 2026-07-01. Review status: criteria provided, single submitter. Criteria: CeGaT Center For Human Genetics Tuebingen Variant Classification Criteria Version 2. Collection method: clinical testing. Allele origin: germline. Affected: yes. Observed: 1 variant allele.
Comment: ZNF469: PM2, BP4

Ambry Genetics
Classification: Likely benign for Cardiovascular phenotype. Last evaluated: 2020-10-23. Review status: criteria provided, single submitter. Criteria: Ambry Variant Classification Scheme 2023. Collection method: clinical testing. Allele origin: germline.

NM_001367624.2(ZNF469):c.11849A>C (p.Asp3950Ala)

Gene: ZNF469 (zinc finger protein 469; plus strand). Cytogenetic location: 16q24.2.
Variant type: single nucleotide variant.
Coding change: c.11849A>C on transcript NM_001367624.2 (MANE Select); coding-DNA position 11849, A replaced by C.
Protein change: p.Asp3950Ala; replaces aspartic acid 3950 with alanine.
Molecular consequence: missense variant.
Genome position (GRCh38, 1-based): chr16:88,439,319, A>C. VCF-style: chr16-88439319-A-C. GRCh37 (hg19) VCF-style: chr16-88505727-A-C.
Other names: NM_001127464.1:c.11765A>C; short protein forms D3950A.
Identifiers: ClinVar variation 1740632 (VCV001740632.3), dbSNP rs552446802, ClinGen allele CA286388592.
Genomic context (GRCh38, chr16:88,439,319, plus strand): 5'-ACCTCCTCAGCCAGCTCTTCGGGCAGAGACTAACTGGCTTCAAAATCCCTTTAAAGAAAG[A>C]TGCTTCCGAGTAATTTCTAGGAGCAAGAGCCTGGGACCGGAGCTGGGCGTTCCTGTCTCG-3'
Protein context (NP_001354553.1, residues 3940-3953): LTGFKIPLKK[Asp3950Ala]ASE